The following is an entry in ClinVar:

NM_183050.4(BCKDHB):c.597T>G (p.Ser199Arg)

Gene: BCKDHB (branched chain keto acid dehydrogenase E1 subunit beta; plus strand). Cytogenetic location: 6q14.1.
Variant type: single nucleotide variant.
Coding change: c.597T>G on transcript NM_183050.4 (MANE Select); coding-DNA position 597, T replaced by G.
Protein change: p.Ser199Arg; replaces serine 199 with arginine.
Molecular consequence: missense variant. On other transcripts: non-coding transcript variant (6).
Genome position (GRCh38, 1-based): chr6:80,168,994, T>G. VCF-style: chr6-80168994-T-G. GRCh37 (hg19) VCF-style: chr6-80878711-T-G.
Other names: c.597T>G, p.Ser199Arg (NM_000056.5, NM_001424035.1, NM_001424036.1 and 8 more transcripts); c.387T>G, p.Ser129Arg (NM_001318975.1, NM_001424043.1); short protein forms S129R, S199R.
Identifiers: ClinVar variation 4817024 (VCV004817024.1).

ClinVar aggregate classification (germline): Likely pathogenic (1 of 4 stars; one submission).

Conditions:
Maple syrup urine disease type 1B (MSUD1B). Also called: MSUD type IB; MSUD type 3 (formerly); MSUD due to deficiency of e1-beta subunit of branched-chain alpha-keto acid dehydrogenase complex. Identifiers: MedGen C2930990, MONDO:0023692, OMIM 620698.

Submission:

Natera, Inc.
Classification: Likely pathogenic for Maple syrup urine disease type 1B. Last evaluated: 2026-01-16. Review status: criteria provided, single submitter. Criteria: Natera Variant Classification Schema (03/2026). Collection method: clinical testing. Allele origin: germline.
Comment: The c.597T>G variant in BCKDHB is a missense variant predicted to cause substitution of serine to arginine at amino acid 199. This variant is rare in the general population with a frequency below the threshold expected for the associated phenotype(s). This variant has been observed in one or more individuals affected with the associated recessive disease, as either homozygous or compound heterozygous with a second variant (PMID: 37421976). This variant has been identified in one or more affected individual with a phenotype highly consistent with the associated gene (PMID: 37421976). Computational prediction algorithms indicate this variant is likely to affect gene or protein function. Given the available evidence, this variant is classified as Likely Pathogenic.

Literature cited by the submitters: PubMed 37421976.